The following is an entry in ClinVar:

NM_000053.4(ATP7B):c.533_534del (p.Leu178fs)

Gene: ATP7B (ATPase copper transporting beta; minus strand). Cytogenetic location: 13q14.3.
Variant type: Deletion.
Coding change: c.533_534del on transcript NM_000053.4 (MANE Select); coding-DNA positions 533 to 534, 2 bases deleted (TC; older notation c.533_534delTC).
Protein change: p.Leu178fs; shifts the reading frame from leucine 178.
Molecular consequence: frameshift variant.
Genome position (GRCh38, 1-based): chr13:51,974,686-51,974,687, GA deleted on the plus strand (TC on the coding strand, the reverse complement: ATP7B is on the minus strand); deleting any 2 consecutive bases within chr13:51,974,686-51,974,688 gives the same sequence; the c. name uses the placement nearest the transcript's 3' end. VCF-style (leftmost placement, unchanged base first): chr13-51974685-TGA-T. GRCh37 (hg19) VCF-style: chr13-52548821-TGA-T.
Other names: c.533_534del, p.Leu178fs (NM_001005918.3, NM_001243182.2, NM_001330578.2 and 1 more transcripts); c.532_533delCT, p.Leu178Glnfs (NM_001406511.1, NM_001406512.1, NM_001406513.1 and 26 more transcripts); c.436_437delCT, p.Leu146Glnfs (NM_001406517.1, NM_001406518.1, NM_001406530.1 and 4 more transcripts); short protein forms L178fs.
Identifiers: ClinVar variation 1726366 (VCV001726366.2), dbSNP rs2547821975, ClinGen allele CA2580087697.

ClinVar aggregate classification (germline): Likely pathogenic (1 of 4 stars; one submission).

Conditions:
Wilson disease (WND). Also called: Wilson's disease. Identifiers: Orphanet 905, MedGen C0019202, MONDO:0010200, OMIM 277900. Disease mechanism: loss of function.

Submission:

Myriad Genetics, Inc.
Classification: Likely pathogenic for Wilson disease. Last evaluated: 2022-01-02. Review status: criteria provided, single submitter. Criteria: Myriad Women's Health Autosomal Recessive and X-Linked Classification Criteria (2021). Collection method: clinical testing. Allele origin: unknown.
Comment: NM_000053.3(ATP7B):c.533_534delTC(L178Qfs*25) is expected to be pathogenic in the context of Wilson disease. This variant is predicted to lead to an abnormal or absent protein product due to the creation of a premature termination codon in ATP7B, a gene where loss-of-function variants are known to be pathogenic. Please note: this variant was assessed in the context of healthy population screening.